The following is an entry in ClinVar:

NM_005591.4(MRE11):c.1066C>A (p.His356Asn)

Gene: MRE11 (MRE11 double strand break repair nuclease; minus strand). Cytogenetic location: 11q21.
Variant type: single nucleotide variant.
Coding change: c.1066C>A on transcript NM_005591.4 (MANE Select); coding-DNA position 1066, C replaced by A.
Protein change: p.His356Asn; replaces histidine 356 with asparagine.
Molecular consequence: missense variant.
Genome position (GRCh38, 1-based): chr11:94,467,845, G>T on the plus strand (C>A on the coding strand, the complement: MRE11 is on the minus strand). VCF-style: chr11-94467845-G-T. GRCh37 (hg19) VCF-style: chr11-94201011-G-T.
Other names: c.1066C>A, p.His356Asn (NM_001330347.2, NM_005590.4); short protein forms H356N.
Identifiers: ClinVar variation 818328 (VCV000818328.4), dbSNP rs939694506, ClinGen allele CA382373747.

ClinVar aggregate classification (germline): Uncertain significance (1 of 4 stars; one submission).

Conditions:
Hereditary cancer-predisposing syndrome. Also called: Tumor predisposition; Hereditary neoplastic syndrome; Neoplastic Syndromes, Hereditary; Hereditary Cancer Syndrome. Identifiers: Orphanet 140162, MedGen C0027672, MeSH D009386, MONDO:0015356.

Submission:

Ambry Genetics
Classification: Uncertain significance for Hereditary cancer-predisposing syndrome. Last evaluated: 2018-07-12. Review status: criteria provided, single submitter. Criteria: Ambry Variant Classification Scheme 2023. Collection method: clinical testing. Allele origin: germline.
Comment: The p.H356N variant (also known as c.1066C>A), located in coding exon 9 of the MRE11A gene, results from a C to A substitution at nucleotide position 1066. The histidine at codon 356 is replaced by asparagine, an amino acid with similar properties. This amino acid position is poorly conserved in available vertebrate species. In addition, this alteration is predicted to be tolerated by in silico analysis. Since supporting evidence is limited at this time, the clinical significance of this alteration remains unclear.